The following is an entry in ClinVar:

ClinVar aggregate classification (germline): Likely benign (1 of 4 stars; one submission).

Allele frequency attached by ClinVar (database versions not stated): TOPMed below 0.00001; gnomAD 0.00004; ExAC 0.00014; 1000 Genomes Project 30x 0.00031; 1000 Genomes Project 0.00040.
gnomAD v4.1: 121 of 1,613,912 alleles (0.0075%); highest among the groups gnomAD compares: South Asian, 0.11%; 1 homozygote.

Submission:

CeGaT Center for Human Genetics Tuebingen
Classification: Likely benign. Last evaluated: 2022-12-01. Review status: criteria provided, single submitter. Criteria: CeGaT Center For Human Genetics Tuebingen Variant Classification Criteria Version 2. Collection method: clinical testing. Allele origin: germline. Affected: yes. Observed: 1 variant allele.
Comment: DNAH17: BP4, BP7

NM_173628.4(DNAH17):c.7920G>A (p.Thr2640=)

Gene: DNAH17 (dynein axonemal heavy chain 17; minus strand). Cytogenetic location: 17q25.3.
Variant type: single nucleotide variant.
Coding change: c.7920G>A on transcript NM_173628.4 (MANE Select); coding-DNA position 7920, G replaced by A.
Protein change: p.Thr2640=; no amino-acid change (threonine 2640 retained).
Molecular consequence: synonymous variant.
Genome position (GRCh38, 1-based): chr17:78,479,097, C>T on the plus strand (G>A on the coding strand, the complement: DNAH17 is on the minus strand). VCF-style: chr17-78479097-C-T. GRCh37 (hg19) VCF-style: chr17-76475179-C-T.
Identifiers: ClinVar variation 2648360 (VCV002648360.24), dbSNP rs559335534, ClinGen allele CA8802077.